The following is an entry in ClinVar:

ClinVar aggregate classification (germline): Uncertain significance (1 of 4 stars; one submission).

Submission:

GeneDx
Classification: Uncertain significance. Last evaluated: 2025-03-10. Review status: criteria provided, single submitter. Criteria: GeneDx Variant Classification Process June 2021. Collection method: clinical testing. Allele origin: germline. Affected: yes.
Comment: Not observed at significant frequency in large population cohorts (gnomAD); In silico analysis indicates that this missense variant does not alter protein structure/function; Has not been previously published as pathogenic or benign to our knowledge

NM_001395159.1(UNC79):c.5075A>C (p.Lys1692Thr)

Gene: UNC79 (unc-79 subunit of NALCN channel complex; plus strand). Cytogenetic location: 14q32.12.
Variant type: single nucleotide variant.
Coding change: c.5075A>C on transcript NM_001395159.1 (MANE Select); coding-DNA position 5075, A replaced by C.
Protein change: p.Lys1692Thr; replaces lysine 1692 with threonine.
Molecular consequence: missense variant.
Genome position (GRCh38, 1-based): chr14:93,622,092, A>C. VCF-style: chr14-93622092-A-C. GRCh37 (hg19) VCF-style: chr14-94088438-A-C.
Other names: c.5009A>C, p.Lys1670Thr (NM_001346218.2); c.4328A>C, p.Lys1443Thr (NM_020818.5); short protein forms K1443T, K1670T, K1692T.
Identifiers: ClinVar variation 4083157 (VCV004083157.1).